The following is an entry in ClinVar:

NM_000256.3(MYBPC3):c.722T>G (p.Val241Gly)

Gene: MYBPC3 (myosin binding protein C3; minus strand). Cytogenetic location: 11p11.2.
Variant type: single nucleotide variant.
Coding change: c.722T>G on transcript NM_000256.3 (MANE Select); coding-DNA position 722, T replaced by G.
Protein change: p.Val241Gly; replaces valine 241 with glycine.
Molecular consequence: missense variant.
Genome position (GRCh38, 1-based): chr11:47,348,474, A>C on the plus strand (T>G on the coding strand, the complement: MYBPC3 is on the minus strand). VCF-style: chr11-47348474-A-C. GRCh37 (hg19) VCF-style: chr11-47370025-A-C.
Other names: short protein forms V241G.
Identifiers: ClinVar variation 1063039 (VCV001063039.9), dbSNP rs1595848896, ClinGen allele CA380335818.

ClinVar aggregate classification (germline): Uncertain significance (1 of 4 stars; one submission).

Conditions:
Hypertrophic cardiomyopathy. Also called: HYPERTROPHIC MYOCARDIOPATHY. Identifiers: Orphanet 217569, MedGen C0007194, MeSH D002312, MONDO:0005045, HP:0001639.

Submission:

Labcorp Genetics (formerly Invitae), Labcorp
Classification: Uncertain significance for Hypertrophic cardiomyopathy. Last evaluated: 2024-10-07. Review status: criteria provided, single submitter. Criteria: Invitae Variant Classification Sherloc (09022015). Collection method: clinical testing. Allele origin: germline.
Comment: This sequence change replaces valine, which is neutral and non-polar, with glycine, which is neutral and non-polar, at codon 241 of the MYBPC3 protein (p.Val241Gly). This variant is not present in population databases (gnomAD no frequency). This variant has not been reported in the literature in individuals affected with MYBPC3-related conditions. ClinVar contains an entry for this variant (Variation ID: 1063039). An algorithm developed to predict the effect of missense changes on protein structure and function (PolyPhen-2) suggests that this variant is likely to be disruptive. In summary, the available evidence is currently insufficient to determine the role of this variant in disease. Therefore, it has been classified as a Variant of Uncertain Significance.